The following is an entry in ClinVar:

NM_006186.4(NR4A2):c.798T>G (p.Cys266Trp)

Gene: NR4A2 (nuclear receptor subfamily 4 group A member 2; minus strand). Cytogenetic location: 2q24.1.
Variant type: single nucleotide variant.
Coding change: c.798T>G on transcript NM_006186.4 (MANE Select); coding-DNA position 798, T replaced by G.
Protein change: p.Cys266Trp; replaces cysteine 266 with tryptophan.
Molecular consequence: missense variant.
Genome position (GRCh38, 1-based): chr2:156,329,389, A>C on the plus strand (T>G on the coding strand, the complement: NR4A2 is on the minus strand). VCF-style: chr2-156329389-A-C. GRCh37 (hg19) VCF-style: chr2-157185901-A-C.
Other names: c.609T>G, p.Cys203Trp (NM_173173.3); short protein forms C203W, C266W.
Identifiers: ClinVar variation 2582129 (VCV002582129.2), dbSNP rs2468286003, ClinGen allele CA348681668.

ClinVar aggregate classification (germline): Uncertain significance (1 of 4 stars; one submission).

Submission:

GeneDx
Classification: Uncertain significance. Last evaluated: 2025-04-17. Review status: criteria provided, single submitter. Criteria: GeneDx Variant Classification Process June 2021. Collection method: clinical testing. Allele origin: germline. Affected: yes.
Comment: Not observed at significant frequency in large population cohorts (gnomAD); In silico analysis supports that this missense variant has a deleterious effect on protein structure/function; Has not been previously published as pathogenic or benign to our knowledge